The following is an entry in ClinVar:

NM_000111.3(SLC26A3):c.2279T>G (p.Val760Gly)

Gene: SLC26A3 (solute carrier family 26 member 3; minus strand). Cytogenetic location: 7q22.3.
Variant type: single nucleotide variant.
Coding change: c.2279T>G on transcript NM_000111.3 (MANE Select); coding-DNA position 2279, T replaced by G.
Protein change: p.Val760Gly; replaces valine 760 with glycine.
Molecular consequence: missense variant.
Genome position (GRCh38, 1-based): chr7:107,765,871, A>C on the plus strand (T>G on the coding strand, the complement: SLC26A3 is on the minus strand). VCF-style: chr7-107765871-A-C. GRCh37 (hg19) VCF-style: chr7-107406316-A-C.
Other names: short protein forms V760G.
Identifiers: ClinVar variation 2057495 (VCV002057495.4), dbSNP rs1793904957, ClinGen allele CA368849312.

ClinVar aggregate classification (germline): Uncertain significance (1 of 4 stars; one submission).

Allele frequency attached by ClinVar (database versions not stated): gnomAD 0.00001.

Submission:

Labcorp Genetics (formerly Invitae), Labcorp
Classification: Uncertain significance. Last evaluated: 2022-08-23. Review status: criteria provided, single submitter. Criteria: Invitae Variant Classification Sherloc (09022015). Collection method: clinical testing. Allele origin: germline.
Comment: In summary, the available evidence is currently insufficient to determine the role of this variant in disease. Therefore, it has been classified as a Variant of Uncertain Significance. Algorithms developed to predict the effect of sequence changes on RNA splicing suggest that this variant may create or strengthen a splice site. Advanced modeling of protein sequence and biophysical properties (such as structural, functional, and spatial information, amino acid conservation, physicochemical variation, residue mobility, and thermodynamic stability) performed at Invitae indicates that this missense variant is not expected to disrupt SLC26A3 protein function. This variant has not been reported in the literature in individuals affected with SLC26A3-related conditions. This variant is not present in population databases (gnomAD no frequency). This sequence change replaces valine, which is neutral and non-polar, with glycine, which is neutral and non-polar, at codon 760 of the SLC26A3 protein (p.Val760Gly).